The following is an entry in ClinVar:

NM_203288.2(RP9):c.463G>A (p.Val155Ile)

Gene: RP9 (RP9 pre-mRNA splicing factor; minus strand). Cytogenetic location: 7p14.3.
Variant type: single nucleotide variant.
Coding change: c.463G>A on transcript NM_203288.2 (MANE Select); coding-DNA position 463, G replaced by A.
Protein change: p.Val155Ile; replaces valine 155 with isoleucine.
Molecular consequence: missense variant.
Genome position (GRCh38, 1-based): chr7:33,096,497, C>T on the plus strand (G>A on the coding strand, the complement: RP9 is on the minus strand). VCF-style: chr7-33096497-C-T. GRCh37 (hg19) VCF-style: chr7-33136109-C-T.
Other names: short protein forms V155I.
Identifiers: ClinVar variation 167610 (VCV000167610.25), dbSNP rs58377403, ClinGen allele CA234811.
Genomic context (GRCh38, chr7:33,096,497, plus strand): 5'-ACTTTATATAATTTTAAAACTTTAAGGGGATATTGTTATCATCAGGACGACCTCACCTTA[C>T]GTCCTTTTCATGTCGTTTATTGTCTCGTATGATGTCATACATGGGATCTTCATGTGCCTT-3'
Protein context (NP_976033.1, residues 145-165): IRDNKRHEKD[Val155Ile]RIQQLKQLLE

ClinVar aggregate classification (germline): Benign. Review status: criteria provided, multiple submitters, no conflicts (2 of 4 stars). 6 submissions from 6 submitters: Benign (4). 2 of the submissions do not count toward it. Last evaluated 2025-12-17.

Conditions:
Retinitis pigmentosa (RP). Identifiers: Orphanet 791, MedGen C0035334, MeSH D012174, MONDO:0019200, OMIM 268000. Inheritance: Autosomal dominant, autosomal recessive and X linked inheritance.

Allele frequency attached by ClinVar (database versions not stated): gnomAD exomes 0.00136; TOPMed 0.00037; ESP Exome Variant Server 0.00054; ExAC 0.00164; 1000 Genomes Project 30x 0.00281; 1000 Genomes Project 0.00240.
gnomAD v4.1: 1,050 of 1,609,838 alleles (0.065%); highest among the groups gnomAD compares: South Asian, 1%; 13 homozygotes.

Submissions (6):

Labcorp Genetics (formerly Invitae), Labcorp
Classification: Benign. Last evaluated: 2025-12-17. Review status: criteria provided, single submitter. Criteria: Invitae Variant Classification Sherloc (09022015). Collection method: clinical testing. Allele origin: germline.

ARUP Laboratories, Molecular Genetics and Genomics, ARUP Laboratories
Classification: Benign. Last evaluated: 2018-05-06. Review status: criteria provided, single submitter. Criteria: ARUP Molecular Germline Variant Investigation Process. Collection method: clinical testing. Allele origin: germline.

Illumina Laboratory Services, Illumina
Classification: Benign for Retinitis pigmentosa. Last evaluated: 2018-01-12. Review status: criteria provided, single submitter. Criteria: ICSL Variant Classification Criteria 13 December 2019. Collection method: clinical testing. Allele origin: germline.
Comment: This variant was observed in the ICSL laboratory as part of a predisposition screen in an ostensibly healthy population. It had not been previously curated by ICSL or reported in the Human Gene Mutation Database (HGMD: prior to June 1st, 2018), and was therefore a candidate for classification through an automated scoring system. Utilizing variant allele frequency, disease prevalence and penetrance estimates, and inheritance mode, an automated score was calculated to assess if this variant is too frequent to cause the disease. Based on the score and internal cut-off values, a variant classified as benign is not then subjected to further curation. The score for this variant resulted in a classification of benign for this disease.

Eurofins Ntd Llc (ga)
Classification: Benign. Last evaluated: 2016-12-22. Review status: criteria provided, single submitter. Criteria: EGL Classification Definitions 2015. Collection method: clinical testing. Allele origin: germline. Observed: 2 variant alleles, 2 heterozygotes.

Clinical Genetics DNA and cytogenetics Diagnostics Lab, Erasmus MC, Erasmus Medical Center
Classification: Benign. Review status: no assertion criteria provided. Collection method: clinical testing. Allele origin: germline. Affected: yes. Study: VKGL Data-share Consensus. Not counted in ClinVar's aggregate classification.

Clinical Genetics, Academic Medical Center
Classification: Benign. Review status: no assertion criteria provided. Collection method: clinical testing. Allele origin: germline. Affected: yes. Study: VKGL Data-share Consensus. Not counted in ClinVar's aggregate classification.